The following is an entry in ClinVar:

NM_001040142.2(SCN2A):c.4822G>A (p.Gly1608Arg)

Gene: SCN2A (sodium voltage-gated channel alpha subunit 2; plus strand). Cytogenetic location: 2q24.3.
Variant type: single nucleotide variant.
Coding change: c.4822G>A on transcript NM_001040142.2 (MANE Select); coding-DNA position 4822, G replaced by A.
Protein change: p.Gly1608Arg; replaces glycine 1608 with arginine.
Molecular consequence: missense variant.
Genome position (GRCh38, 1-based): chr2:165,387,016, G>A. VCF-style: chr2-165387016-G-A. GRCh37 (hg19) VCF-style: chr2-166243526-G-A.
Other names: p.G1608R:GGA>AGA; c.4822G>A, p.Gly1608Arg (NM_001040143.2, NM_001371246.1, NM_001371247.1 and 1 more transcripts); short protein forms G1608R.
Identifiers: ClinVar variation 207016 (VCV000207016.3), dbSNP rs796053154, ClinGen allele CA318009.

ClinVar aggregate classification (germline): Conflicting classifications of pathogenicity. Review status: criteria provided, conflicting classifications (1 of 4 stars). 2 submissions from 2 submitters: Likely pathogenic (1); Uncertain significance (1). Last evaluated 2021-08-23.

Submissions (2):

Blueprint Genetics
Classification: Uncertain significance. Last evaluated: 2021-08-23. Review status: criteria provided, single submitter. Criteria: ACMG Guidelines, 2015. Collection method: clinical testing. Allele origin: germline.

GeneDx
Classification: Likely pathogenic. Last evaluated: 2014-04-02. Review status: criteria provided, single submitter. Criteria: GeneDx Variant Classification (06012015). Collection method: clinical testing. Allele origin: germline. Affected: yes.
Comment: p.Gly1608Arg (GGA>AGA): c.4822 G>A in exon 26 of the SCN2A gene (NM_021007.2). The c.4822 G>A variant has not been published as a mutation, nor has it been reported as a benign polymorphism to our knowledge. It was not observed in approximately 6,500 individuals of European and African American ancestry in the NHLBI Exome Sequencing Project, indicating it is not a common benign variant in these populations. Multiple in silico algorithms predict that c.4822 G>A variant may alter gene splicing; however, in the absence of RNA/functional studies the actual effect of the c.4822 G>A sequence change is unknown. If c.4822 G>A does not alter splicing, it will result in the G1608R missence change, which is a non-conservative amino acid substitution that is likely to impact secondary protein structure as these residues differ in polarity, charge, size and/or other properties. This substitution alters a conserved position in transmembrane segment S3 in the fourth homologous domain, and in silico analysis predicts this variant is probably damaging to the protein structure/function. This variant has been observed de novo without verified parentage. The variant is found in EPILEPSY panel(s).